The following is an entry in ClinVar:

ClinVar aggregate classification (germline): Uncertain significance (1 of 4 stars; one submission).

Conditions:
Leigh syndrome (NULS). Also called: Leigh's necrotizing encephalopathy; Leigh's disease; Leigh Syndrome (mtDNA deletion); Leigh Disease; Subacute necrotizing encephalopathy; Necrotizing encephalopathy infantile subacute of Leigh. Identifiers: Orphanet 506, MedGen C2931891, MONDO:0009723, OMIM 256000.

Submission:

Wong Mito Lab, Molecular and Human Genetics, Baylor College of Medicine
Classification: Uncertain significance for Leigh syndrome. Last evaluated: 2019-10-17. Review status: criteria provided, single submitter. Criteria: Modified ACMG Guidelines (Unpublished). Collection method: clinical testing. Allele origin: germline.
Comment: The NC_012920.1:m.8800T>G (YP_003024031.1:p.Phe92Val) variant in MTATP6 gene is interpretated to be a Uncertain Significance variant based on the modified ACMG guidelines (unpublished). This variant meets the following evidence codes: PP3, PP6, PP7

NC_012920.1(MT-ATP6):m.8800T>G

Gene: MT-ATP6 (mitochondrially encoded ATP synthase 6; plus strand).
Variant type: single nucleotide variant.
Genome position: chrM-8800-T-G.
Identifiers: ClinVar variation 692988 (VCV000692988.1), dbSNP rs1569484239, ClinGen allele CA414798160.